The following is an entry in ClinVar:

ClinVar aggregate classification (germline): Uncertain significance. Review status: criteria provided, multiple submitters, no conflicts (2 of 4 stars). 4 submissions from 4 submitters: Uncertain significance (3). 1 of the submissions does not count toward it. Last evaluated 2022-12-19.

Conditions:
MKS1-related disorder. Also called: MKS1-related condition; MKS1-related disorders. Identifiers: MedGen CN239382.
Meckel-Gruber syndrome. Also called: DYSENCEPHALIA SPLANCHNOCYSTICA; GRUBER SYNDROME; Dysencephalia splachnocystica. Identifiers: Orphanet 564, MedGen C0265215, MONDO:0018921.
Joubert syndrome. Also called: JOUBERT-BOLTSHAUSER SYNDROME; Familial aplasia of the vermis. Identifiers: Orphanet 475, MedGen C5979921, MONDO:0018772.

Allele frequency attached by ClinVar (database versions not stated): gnomAD exomes below 0.00001; gnomAD 0.00002; TOPMed 0.00002.
gnomAD v4.1: 9 of 1,610,218 alleles (0.00056%); highest among the groups gnomAD compares: Non-Finnish European, 0.00076%; no homozygotes.

Submissions (4):

Women's Health and Genetics/Laboratory Corporation of America, LabCorp
Classification: Uncertain significance. Last evaluated: 2022-12-19. Review status: criteria provided, single submitter. Criteria: LabCorp Variant Classification Summary - May 2015. Collection method: clinical testing. Allele origin: germline.
Comment: Variant summary: MKS1 c.1678T>C (p.X560GlnextX51) changes the termination codon and is predicted to lead to an extended protein with additional amino acids added to the normal C-terminus. MKS1 c.1678T>C (p.X560GlnextX51) causes a frameshift which results in an extension of the protein. The variant was absent in 239006 control chromosomes. The available data on variant occurrences in the general population are insufficient to allow any conclusion about variant significance. To our knowledge, no occurrence of c.1678T>C in individuals affected with Meckel Syndrome Type 1 and no experimental evidence demonstrating its impact on protein function have been reported. One clinical diagnostic laboratory has submitted clinical-significance assessments for this variant to ClinVar after 2014 without evidence for independent evaluation and classified the variant as uncertain significance. Based on the evidence outlined above, the variant was classified as uncertain significance.

Blueprint Genetics
Classification: Uncertain significance. Last evaluated: 2021-12-11. Review status: criteria provided, single submitter. Criteria: ACMG Guidelines, 2015. Collection method: clinical testing. Allele origin: germline.

Labcorp Genetics (formerly Invitae), Labcorp
Classification: Uncertain significance for Joubert syndrome; Meckel-Gruber syndrome. Last evaluated: 2021-09-24. Review status: criteria provided, single submitter. Criteria: Invitae Variant Classification Sherloc (09022015). Collection method: clinical testing. Allele origin: germline.
Comment: This sequence change disrupts the translational stop signal of the MKS1 mRNA. It is expected to extend the length of the MKS1 protein by 51 additional amino acid residues. This variant is not present in population databases (ExAC no frequency). This variant has not been reported in the literature in individuals with MKS1-related conditions. In summary, the available evidence is currently insufficient to determine the role of this variant in disease. Therefore, it has been classified as a Variant of Uncertain Significance.

PreventionGenetics, part of Exact Sciences
Classification: Uncertain significance for MKS1-related condition. Last evaluated: 2024-05-30. Review status: no assertion criteria provided. Collection method: clinical testing. Allele origin: germline. Not counted in ClinVar's aggregate classification.
Comment: The MKS1 c.1678T>C variant is predicted to result in extension of the open reading frame (p.*560Glnext*51). To our knowledge, this variant has not been reported in the literature. This variant is reported in 0.013% of alleles in individuals of European (Non-Finnish) descent in gnomAD. At this time, the clinical significance of this variant is uncertain due to the absence of conclusive functional and genetic evidence.

NM_017777.4(MKS1):c.1678T>C (p.Ter560Gln)

Gene: MKS1 (MKS transition zone complex subunit 1; minus strand). Cytogenetic location: 17q22.
Variant type: single nucleotide variant.
Coding change: c.1678T>C on transcript NM_017777.4 (MANE Select); coding-DNA position 1678, T replaced by C.
Protein change: p.Ter560Gln.
Molecular consequence: stop lost. On other transcripts: missense variant (1), 3 prime UTR variant (1).
Genome position (GRCh38, 1-based): chr17:58,206,081, A>G on the plus strand (T>C on the coding strand, the complement: MKS1 is on the minus strand). VCF-style: chr17-58206081-A-G. GRCh37 (hg19) VCF-style: chr17-56283442-A-G.
Other names: c.1069T>C, p.Ter357Gln (NM_001321268.2); c.1595T>C, p.Leu532Pro (NM_001321269.2); c.*90T>C (NM_001330397.2); short protein forms L532P.
Identifiers: ClinVar variation 1501927 (VCV001501927.8), dbSNP rs1286667377, ClinGen allele CA400324157.